The following is an entry in ClinVar:

NM_000388.4(CASR):c.2191T>A (p.Cys731Ser)

Gene: CASR (calcium sensing receptor; plus strand). Cytogenetic location: 3q21.1.
Variant type: single nucleotide variant.
Coding change: c.2191T>A on transcript NM_000388.4 (MANE Select); coding-DNA position 2191, T replaced by A.
Protein change: p.Cys731Ser; replaces cysteine 731 with serine.
Molecular consequence: missense variant.
Genome position (GRCh38, 1-based): chr3:122,284,145, T>A. VCF-style: chr3-122284145-T-A. GRCh37 (hg19) VCF-style: chr3-122002992-T-A.
Other names: c.2221T>A, p.Cys741Ser (NM_001178065.2); short protein forms C741S, C731S.
Identifiers: ClinVar variation 2941471 (VCV002941471.3), dbSNP rs2473278554, ClinGen allele CA354158959.

ClinVar aggregate classification (germline): Uncertain significance (1 of 4 stars; one submission).

Conditions:
Familial hypocalciuric hypercalcemia (FHH). Also called: Familial benign hypercalcemia. Identifiers: Orphanet 405, MedGen C1809471, MONDO:0018458.
Autosomal dominant hypocalcemia 1 (HYPOC1). Also called: HYPOCALCEMIA, FAMILIAL. Identifiers: MedGen C3715128, MONDO:0011013, OMIM 601198.

Submission:

Labcorp Genetics (formerly Invitae), Labcorp
Classification: Uncertain significance for Familial hypocalciuric hypercalcemia; Autosomal dominant hypocalcemia 1. Last evaluated: 2024-04-29. Review status: criteria provided, single submitter. Criteria: Invitae Variant Classification Sherloc (09022015). Collection method: clinical testing. Allele origin: germline.
Comment: This sequence change replaces cysteine, which is neutral and slightly polar, with serine, which is neutral and polar, at codon 731 of the CASR protein (p.Cys731Ser). This variant is not present in population databases (gnomAD no frequency). This variant has not been reported in the literature in individuals affected with CASR-related conditions. An algorithm developed to predict the effect of missense changes on protein structure and function (PolyPhen-2) suggests that this variant is likely to be disruptive. In summary, the available evidence is currently insufficient to determine the role of this variant in disease. Therefore, it has been classified as a Variant of Uncertain Significance.